The following is an entry in ClinVar:

ClinVar aggregate classification (germline): Uncertain significance (1 of 4 stars; one submission).

Conditions:
Charcot-Marie-Tooth disease axonal type 2O. Also called: CHARCOT-MARIE-TOOTH NEUROPATHY, AXONAL, TYPE 2O; CHARCOT-MARIE-TOOTH DISEASE, AXONAL, AUTOSOMAL DOMINANT, TYPE 2O; Charcot-Marie-Tooth Neuropathy Type 2O; Charcot-Marie-Tooth disease, axonal, type 20. Identifiers: Orphanet 284232, MedGen C3280220, MONDO:0013644, OMIM 614228.

gnomAD v4.1: 5 of 1,614,036 alleles (0.00031%); highest among the groups gnomAD compares: East Asian, 0.0022%; no homozygotes.

Submission:

Labcorp Genetics (formerly Invitae), Labcorp
Classification: Uncertain significance for Charcot-Marie-Tooth disease axonal type 2O. Last evaluated: 2025-09-15. Review status: criteria provided, single submitter. Criteria: Invitae Variant Classification Sherloc (09022015). Collection method: clinical testing. Allele origin: germline.
Comment: This sequence change replaces arginine, which is basic and polar, with histidine, which is basic and polar, at codon 471 of the DYNC1H1 protein (p.Arg471His). This variant is present in population databases (rs757619280, gnomAD 0.002%). This variant has not been reported in the literature in individuals affected with DYNC1H1-related conditions. Invitae Evidence Modeling of protein sequence and biophysical properties (such as structural, functional, and spatial information, amino acid conservation, physicochemical variation, residue mobility, and thermodynamic stability) has been performed for this missense variant. However, the output from this modeling did not meet the statistical confidence thresholds required to predict the impact of this variant on DYNC1H1 protein function. In summary, the available evidence is currently insufficient to determine the role of this variant in disease. Therefore, it has been classified as a Variant of Uncertain Significance.

NM_001376.5(DYNC1H1):c.1412G>A (p.Arg471His)

Gene: DYNC1H1 (dynein cytoplasmic 1 heavy chain 1; plus strand). Cytogenetic location: 14q32.31.
Variant type: single nucleotide variant.
Coding change: c.1412G>A on transcript NM_001376.5 (MANE Select); coding-DNA position 1412, G replaced by A.
Protein change: p.Arg471His; replaces arginine 471 with histidine.
Molecular consequence: missense variant.
Genome position (GRCh38, 1-based): chr14:101,983,560, G>A. VCF-style: chr14-101983560-G-A. GRCh37 (hg19) VCF-style: chr14-102449897-G-A.
Other names: short protein forms R471H.
Identifiers: ClinVar variation 4742762 (VCV004742762.1).